The following is an entry in ClinVar:

ClinVar aggregate classification (germline): Uncertain significance (1 of 4 stars; one submission).

Conditions:
ALMS1-related disorder. Also called: ALMS1-related condition.

Allele frequency attached by ClinVar (database versions not stated): ExAC 0.00001.

Submission:

PreventionGenetics, part of Exact Sciences
Classification: Uncertain significance for ALMS1-related condition. Last evaluated: 2023-12-27. Review status: criteria provided, single submitter. Criteria: ACMG Guidelines, 2015. Collection method: clinical testing. Allele origin: germline.
Comment: The ALMS1 c.4264A>T variant is predicted to result in the amino acid substitution p.Thr1422Ser. To our knowledge, this variant has not been reported in the literature. This variant is reported in 0.054% of alleles in individuals of Latino descent in gnomAD, which may be too common to be a primary cause of disease. Although we suspect that this variant may be benign, at this time, the clinical significance of this variant is uncertain due to the absence of conclusive functional and genetic evidence.

NM_001378454.1(ALMS1):c.4261A>T (p.Ile1421Leu)

Gene: ALMS1 (ALMS1 centrosome and basal body associated protein; plus strand). Cytogenetic location: 2p13.1.
Variant type: single nucleotide variant.
Coding change: c.4261A>T on transcript NM_001378454.1 (MANE Select); coding-DNA position 4261, A replaced by T.
Protein change: p.Ile1421Leu; replaces isoleucine 1421 with leucine.
Molecular consequence: missense variant.
Genome position (GRCh38, 1-based): chr2:73,450,788, A>T. VCF-style: chr2-73450788-A-T. GRCh37 (hg19) VCF-style: chr2-73677915-A-T.
Other names: c.4264A>T, p.Ile1422Leu (NM_015120.4); short protein forms I1421L, I1422L.
Identifiers: ClinVar variation 3037783 (VCV003037783.1), dbSNP rs781243126, ClinGen allele CA1713673.
Genomic context (GRCh38, chr2:73,450,788, plus strand): 5'-CTAACTGAAGAGGCTAAGAACGTTTCAGCGGTTCCTGGACCAGGTGACCGGAAGACTGGG[A>T]TACCAACTTTACCCTCTACTTTCTACTCACACACAGAGAAGCCTGGTAGTTTCTACCAAC-3'
Protein context (NP_001365383.1, residues 1411-1431): VPGPGDRKTG[Ile1421Leu]PTLPSTFYSH